The following is an entry in ClinVar:

NM_138694.4(PKHD1):c.11293G>A (p.Val3765Ile)

Gene: PKHD1 (PKHD1 ciliary IPT domain containing fibrocystin/polyductin; minus strand). Cytogenetic location: 6p12.3.
Variant type: single nucleotide variant.
Coding change: c.11293G>A on transcript NM_138694.4 (MANE Select); coding-DNA position 11293, G replaced by A.
Protein change: p.Val3765Ile; replaces valine 3765 with isoleucine.
Molecular consequence: missense variant.
Genome position (GRCh38, 1-based): chr6:51,649,102, C>T on the plus strand (G>A on the coding strand, the complement: PKHD1 is on the minus strand). VCF-style: chr6-51649102-C-T. GRCh37 (hg19) VCF-style: chr6-51513900-C-T.
Other names: short protein forms V3765I.
Identifiers: ClinVar variation 3889483 (VCV003889483.2).

ClinVar aggregate classification (germline): Uncertain significance. Review status: criteria provided, multiple submitters, no conflicts (2 of 4 stars). 2 submissions from 2 submitters: Uncertain significance (2). Last evaluated 2026-05-14.

Conditions:
PKHD1-related disorder. Also called: PKHD1-related condition.
Inborn genetic diseases. Identifiers: MedGen C0950123, MeSH D030342.

gnomAD v4.1: 63 of 1,613,622 alleles (0.0039%); highest among the groups gnomAD compares: Non-Finnish European, 0.005%; no homozygotes.

Submissions (2):

PreventionGenetics, part of Exact Sciences
Classification: Uncertain significance for PKHD1-related condition. Last evaluated: 2026-05-14. Review status: criteria provided, single submitter. Criteria: ACMG Guidelines, 2015. Collection method: clinical testing. Allele origin: germline.
Comment: The PKHD1 c.11293G>A variant is predicted to result in the amino acid substitution p.Val3765Ile. To our knowledge, this variant has not been reported in the literature. This variant is reported in 0.0047% of alleles in individuals of European (Non-Finnish) descent in gnomAD. At this time, the clinical significance of this variant is uncertain due to the absence of conclusive functional and genetic evidence.

Ambry Genetics
Classification: Uncertain significance for Inborn genetic diseases. Last evaluated: 2025-03-07. Review status: criteria provided, single submitter. Criteria: Ambry Variant Classification Scheme 2023. Collection method: clinical testing. Allele origin: germline.